The following is an entry in ClinVar:

ClinVar aggregate classification (germline): Uncertain significance (1 of 4 stars; one submission).

Conditions:
Ataxia-telangiectasia syndrome (AT). Also called: Ataxia-telangiectasia, complementation group E; ATAXIA-TELANGIECTASIA, COMPLEMENTATION GROUP A; ATAXIA-TELANGIECTASIA, FRESNO VARIANT; Ataxia-telangiectasia; LOUIS-BAR SYNDROME; Ataxia-telangiectasia, complementation group D. Identifiers: Orphanet 100, MedGen C0004135, MONDO:0008840, OMIM 208900.

Submission:

Labcorp Genetics (formerly Invitae), Labcorp
Classification: Uncertain significance for Ataxia-telangiectasia syndrome. Last evaluated: 2022-10-31. Review status: criteria provided, single submitter. Criteria: Invitae Variant Classification Sherloc (09022015). Collection method: clinical testing. Allele origin: germline.
Comment: In summary, the available evidence is currently insufficient to determine the role of this variant in disease. Therefore, it has been classified as a Variant of Uncertain Significance. Algorithms developed to predict the effect of missense changes on protein structure and function (SIFT, PolyPhen-2, Align-GVGD) all suggest that this variant is likely to be tolerated. This variant has not been reported in the literature in individuals affected with ATM-related conditions. This variant is not present in population databases (gnomAD no frequency). This sequence change replaces glutamic acid, which is acidic and polar, with aspartic acid, which is acidic and polar, at codon 522 of the ATM protein (p.Glu522Asp).

NM_000051.4(ATM):c.1566A>C (p.Glu522Asp)

Gene: ATM (ATM serine/threonine kinase; plus strand). Cytogenetic location: 11q22.3.
Variant type: single nucleotide variant.
Coding change: c.1566A>C on transcript NM_000051.4 (MANE Select); coding-DNA position 1566, A replaced by C.
Protein change: p.Glu522Asp; replaces glutamic acid 522 with aspartic acid.
Molecular consequence: missense variant.
Genome position (GRCh38, 1-based): chr11:108,251,031, A>C. VCF-style: chr11-108251031-A-C. GRCh37 (hg19) VCF-style: chr11-108121758-A-C.
Other names: c.1566A>C, p.Glu522Asp (NM_001351834.2); short protein forms E522D.
Identifiers: ClinVar variation 2811094 (VCV002811094.3), dbSNP rs2135327239, ClinGen allele CA382534369.